The following is an entry in ClinVar:

NM_000101.4(CYBA):c.177del (p.Lys60fs)

Gene: CYBA (cytochrome b-245 alpha chain; minus strand). Cytogenetic location: 16q24.2.
Variant type: Deletion.
Coding change: c.177del on transcript NM_000101.4 (MANE Select); coding-DNA position 177, one base deleted (G; older notation c.177delG).
Protein change: p.Lys60fs; shifts the reading frame from lysine 60.
Molecular consequence: frameshift variant.
Genome position (GRCh38, 1-based): chr16:88,647,127, C deleted on the plus strand (G on the coding strand, the reverse complement: CYBA is on the minus strand); the first of 2 consecutive C bases (chr16:88,647,127-88,647,128); deleting either gives the same sequence. VCF-style (leftmost placement, unchanged base first): chr16-88647126-TC-T. GRCh37 (hg19) VCF-style: chr16-88713534-TC-T.
Other names: short protein forms K60fs.
Identifiers: ClinVar variation 4817427 (VCV004817427.1).

ClinVar aggregate classification (germline): Likely pathogenic (1 of 4 stars; one submission).

Conditions:
Chronic granulomatous disease. Identifiers: Orphanet 379, MedGen C0018203, MONDO:0018305.

Submission:

Natera, Inc.
Classification: Likely pathogenic for Chronic granulomatous disease. Last evaluated: 2025-09-30. Review status: criteria provided, single submitter. Criteria: Natera Variant Classification Schema (03/2026). Collection method: clinical testing. Allele origin: germline.
Comment: The c.177del variant in CYBA is a frameshift variant predicted to shift the reading frame beginning at codon 60 and leads to a stop codon 14 codons downstream. This variant is expected to result in nonsense mediated decay, truncation, or a dysfunctional protein product. This variant is rare in the general population with a frequency below the threshold expected for the associated phenotype(s). Given the available evidence, this variant is classified as Likely Pathogenic.